The following is an entry in ClinVar:

ClinVar aggregate classification (germline): Uncertain significance. Review status: criteria provided, multiple submitters, no conflicts (2 of 4 stars). 4 submissions from 4 submitters: Uncertain significance (4). Last evaluated 2025-10-27.

Conditions:
Hereditary cancer-predisposing syndrome. Also called: Hereditary Cancer Syndrome; Hereditary neoplastic syndrome; Tumor predisposition; Neoplastic Syndromes, Hereditary. Identifiers: Orphanet 140162, MedGen C0027672, MeSH D009386, MONDO:0015356.
Familial thoracic aortic aneurysm and aortic dissection (TAAD). Also called: Thoracic aortic aneurysms and dissections. Identifiers: Orphanet 91387, MedGen C4707243, MONDO:0019625.
Juvenile polyposis syndrome (JPS). Identifiers: Orphanet 2929, MedGen C0345893, MONDO:0017380, OMIM 174900.
Myhre syndrome (MYHRS). Also called: LARYNGOTRACHEAL STENOSIS, ARTHROPATHY, PROGNATHISM, AND SHORT STATURE; LAPS SYNDROME. Identifiers: Orphanet 2588, MedGen C0796081, MONDO:0007688, OMIM 139210.

Submissions (4):

Color Diagnostics, LLC DBA Color Health
Classification: Uncertain significance for Hereditary cancer-predisposing syndrome. Last evaluated: 2025-10-27. Review status: criteria provided, single submitter. Criteria: ACMG Guidelines, 2015. Collection method: clinical testing. Allele origin: germline.
Comment: This missense variant replaces lysine with arginine at codon 70 of the SMAD4 protein. Computational prediction is inconclusive regarding the impact of this variant on protein structure and function. To our knowledge, functional studies have not been reported for this variant. This variant has not been reported in individuals affected with SMAD4-related disorders in the literature. This variant has not been identified in the general population by the Genome Aggregation Database (gnomAD). The available evidence is insufficient to determine the role of this variant in disease conclusively. Therefore, this variant is classified as a Variant of Uncertain Significance.

Labcorp Genetics (formerly Invitae), Labcorp
Classification: Uncertain significance for Juvenile polyposis syndrome. Last evaluated: 2023-06-13. Review status: criteria provided, single submitter. Criteria: Invitae Variant Classification Sherloc (09022015). Collection method: clinical testing. Allele origin: germline.
Comment: ClinVar contains an entry for this variant (Variation ID: 438836). Advanced modeling of protein sequence and biophysical properties (such as structural, functional, and spatial information, amino acid conservation, physicochemical variation, residue mobility, and thermodynamic stability) has been performed at Invitae for this missense variant, however the output from this modeling did not meet the statistical confidence thresholds required to predict the impact of this variant on SMAD4 protein function. In summary, the available evidence is currently insufficient to determine the role of this variant in disease. Therefore, it has been classified as a Variant of Uncertain Significance. This variant has not been reported in the literature in individuals affected with SMAD4-related conditions. This sequence change replaces lysine, which is basic and polar, with arginine, which is basic and polar, at codon 70 of the SMAD4 protein (p.Lys70Arg). This variant is not present in population databases (gnomAD no frequency).

Ambry Genetics
Classification: Uncertain significance for Hereditary cancer-predisposing syndrome; Familial thoracic aortic aneurysm and aortic dissection. Last evaluated: 2023-01-22. Review status: criteria provided, single submitter. Criteria: Ambry Variant Classification Scheme 2023. Collection method: clinical testing. Allele origin: germline.
Comment: The p.K70R variant (also known as c.209A>G), located in coding exon 1 of the SMAD4 gene, results from an A to G substitution at nucleotide position 209. The lysine at codon 70 is replaced by arginine, an amino acid with highly similar properties. This amino acid position is conserved. In addition, the in silico prediction for this alteration is inconclusive. Since supporting evidence is limited at this time, the clinical significance of this alteration remains unclear.

Shenzhen Institute of Pediatrics, Shenzhen Children's Hospital
Classification: Uncertain significance for Myhre syndrome. Last evaluated: 2017-06-29. Review status: criteria provided, single submitter. Criteria: ACMG Guidelines, 2015. Collection method: clinical testing. Allele origin: unknown. Inheritance: Autosomal dominant inheritance. Observed: 1 variant allele, 1 heterozygote.

NM_005359.6(SMAD4):c.209A>G (p.Lys70Arg)

Gene: SMAD4 (SMAD family member 4; plus strand). Cytogenetic location: 18q21.2.
Variant type: single nucleotide variant.
Coding change: c.209A>G on transcript NM_005359.6 (MANE Select); coding-DNA position 209, A replaced by G.
Protein change: p.Lys70Arg; replaces lysine 70 with arginine.
Molecular consequence: missense variant.
Genome position (GRCh38, 1-based): chr18:51,047,255, A>G. VCF-style: chr18-51047255-A-G. GRCh37 (hg19) VCF-style: chr18-48573625-A-G.
Other names: c.209A>G (NM_005359.5); short protein forms K70R.
Identifiers: ClinVar variation 438836 (VCV000438836.12), dbSNP rs1555685038, ClinGen allele CA402458060.